The following is an entry in ClinVar:

NM_152564.5(VPS13B):c.5478T>C (p.Tyr1826=)

Gene: VPS13B (vacuolar protein sorting 13 homolog B; plus strand). Cytogenetic location: 8q22.2.
Variant type: single nucleotide variant.
Coding change: c.5478T>C on transcript NM_152564.5 (MANE Select); coding-DNA position 5478, T replaced by C.
Protein change: p.Tyr1826=; no amino-acid change (tyrosine 1826 retained).
Molecular consequence: synonymous variant.
Genome position (GRCh38, 1-based): chr8:99,642,068, T>C. VCF-style: chr8-99642068-T-C. GRCh37 (hg19) VCF-style: chr8-100654296-T-C.
Other names: c.5553T>C, p.Tyr1851= (NM_017890.5); c.5478T>C (NM_152564.4).
Identifiers: ClinVar variation 1584320 (VCV001584320.9), dbSNP rs1300751748, ClinGen allele CA462464301.

ClinVar aggregate classification (germline): Likely benign. Review status: criteria provided, single submitter (1 of 4 stars). 2 submissions from 2 submitters: Likely benign (1). 1 of the submissions does not count toward it. Last evaluated 2023-09-10.

Conditions:
Cohen syndrome (COH1). Also called: PEPPER SYNDROME; Cutis verticis gyrata, retinitis pigmentosa, and sensorineural deafness. Identifiers: Orphanet 193, MedGen C0265223, MONDO:0008999, OMIM 216550.
VPS13B-related disorder. Also called: VPS13B-related condition.

Allele frequency attached by ClinVar (database versions not stated): TOPMed below 0.00001; gnomAD 0.00001; gnomAD exomes 0.00001.
gnomAD v4.1: 9 of 1,614,030 alleles (0.00056%); highest among the groups gnomAD compares: Non-Finnish European, 0.00076%; no homozygotes.

Submissions (2):

Labcorp Genetics (formerly Invitae), Labcorp
Classification: Likely benign for Cohen syndrome. Last evaluated: 2023-09-10. Review status: criteria provided, single submitter. Criteria: Invitae Variant Classification Sherloc (09022015). Collection method: clinical testing. Allele origin: germline.

PreventionGenetics, part of Exact Sciences
Classification: Likely benign for VPS13B-related condition. Last evaluated: 2022-02-17. Review status: no assertion criteria provided. Collection method: clinical testing. Allele origin: germline. Not counted in ClinVar's aggregate classification.
Comment: This variant is classified as likely benign based on ACMG/AMP sequence variant interpretation guidelines (Richards et al. 2015 PMID: 25741868, with internal and published modifications).